The following is an entry in ClinVar:

NM_000444.6(PHEX):c.1646-10C>T

Genes: PHEX (phosphate regulating endopeptidase X-linked; plus strand), PTCHD1-AS (PTCHD1 and PHEX antisense RNA; minus strand). Cytogenetic location: Xp22.11.
Variant type: single nucleotide variant.
Coding change: c.1646-10C>T on transcript NM_000444.6 (MANE Select); 10 bases into the intron before coding-DNA position 1646, C replaced by T.
Molecular consequence: intron variant.
Genome position (GRCh38, 1-based): chrX:22,212,894, C>T. VCF-style: chrX-22212894-C-T. GRCh37 (hg19) VCF-style: chrX-22231011-C-T.
Other names: c.1646-10C>T (NM_001282754.2, NM_000444.5).
Identifiers: ClinVar variation 1988538 (VCV001988538.7), dbSNP rs761383092, ClinGen allele CA10368316.

ClinVar aggregate classification (germline): Likely benign. Review status: criteria provided, multiple submitters, no conflicts (2 of 4 stars). 3 submissions from 3 submitters: Likely benign (2). 1 of the submissions does not count toward it. Last evaluated 2025-12-23.

Conditions:
PHEX-related disorder. Also called: PHEX-related condition.

Allele frequency attached by ClinVar (database versions not stated): ExAC 0.00002; gnomAD 0.00005; TOPMed 0.00006; gnomAD exomes 0.00012.
gnomAD v4.1: 136 of 1,187,752 alleles (0.011%); highest among the groups gnomAD compares: Non-Finnish European, 0.015%; no homozygotes.

Submissions (3):

Labcorp Genetics (formerly Invitae), Labcorp
Classification: Likely benign. Last evaluated: 2025-12-23. Review status: criteria provided, single submitter. Criteria: Invitae Variant Classification Sherloc (09022015). Collection method: clinical testing. Allele origin: germline.

Women's Health and Genetics/Laboratory Corporation of America, LabCorp
Classification: Likely benign. Last evaluated: 2025-10-24. Review status: criteria provided, single submitter. Criteria: LabCorp Variant Classification Summary - May 2015. Collection method: clinical testing. Allele origin: germline.

PreventionGenetics, part of Exact Sciences
Classification: Likely benign for PHEX-related condition. Last evaluated: 2019-05-01. Review status: no assertion criteria provided. Collection method: clinical testing. Allele origin: germline. Not counted in ClinVar's aggregate classification.
Comment: This variant is classified as likely benign based on ACMG/AMP sequence variant interpretation guidelines (Richards et al. 2015 PMID: 25741868, with internal and published modifications).